The following is an entry in ClinVar:

ClinVar aggregate classification (germline): Likely pathogenic. Review status: criteria provided, single submitter (1 of 4 stars). 2 submissions from 1 submitter: Likely pathogenic (1). 1 of the submissions does not count toward it.

Conditions:
Hereditary von Willebrand disease. Identifiers: Orphanet 903, MedGen C5703318, MONDO:0019565. Inheritance: Autosomal recessive or Autosomal dominant.
von Willebrand disease type 1 (VWD1). Also called: VWD, TYPE 1; VON WILLEBRAND DISEASE, TYPE I. Identifiers: Orphanet 166078, Orphanet 903, MedGen C1264039, MONDO:0008668, OMIM 193400. Inheritance: autosomal recessive or autosomal dominant.

Submissions (2):

ISTH-SSC Genomics in Thrombosis and Hemostasis, KU Leuven, Center for Molecular and Vascular Biology
Classification: Likely pathogenic for von Willebrand disease type 1. Review status: criteria provided, single submitter. Criteria: ACMG Guidelines, 2015. Collection method: clinical testing. Allele origin: germline. Affected: yes. Observed: 1 heterozygote.
Comment: Submitted to the GoldVariant database by Kathleen Freson, Center for Molecular and Vascular Biology

ISTH-SSC Genomics in Thrombosis and Hemostasis, KU Leuven, Center for Molecular and Vascular Biology
Classification: Likely pathogenic for von Willebrand disorder. Review status: no assertion criteria provided. Collection method: research. Allele origin: unknown. Affected: yes. Not counted in ClinVar's aggregate classification.
Comment: Submitted to GoldVariant by Dr Karyn Mégy from NIHR Bioresource - Cambridge University, UK

NM_000552.5(VWF):c.5087T>G (p.Leu1696Arg)

Gene: VWF (von Willebrand factor; minus strand). Cytogenetic location: 12p13.31.
Variant type: single nucleotide variant.
Coding change: c.5087T>G on transcript NM_000552.5 (MANE Select); coding-DNA position 5087, T replaced by G.
Protein change: p.Leu1696Arg; replaces leucine 1696 with arginine.
Molecular consequence: missense variant.
Genome position (GRCh38, 1-based): chr12:6,016,837, A>C on the plus strand (T>G on the coding strand, the complement: VWF is on the minus strand). VCF-style: chr12-6016837-A-C. GRCh37 (hg19) VCF-style: chr12-6126003-A-C.
Other names: c.5087T>G (NM_000552.4); short protein forms L1696R.
Identifiers: ClinVar variation 1684480 (VCV001684480.2), dbSNP rs2136409514, ClinGen allele CA383496698.